The following is an entry in ClinVar:

NM_001363711.2(DUOX2):c.1465C>G (p.Leu489Val)

Gene: DUOX2 (dual oxidase 2; minus strand). Cytogenetic location: 15q21.1.
Variant type: single nucleotide variant.
Coding change: c.1465C>G on transcript NM_001363711.2 (MANE Select); coding-DNA position 1465, C replaced by G.
Protein change: p.Leu489Val; replaces leucine 489 with valine.
Molecular consequence: missense variant.
Genome position (GRCh38, 1-based): chr15:45,108,156, G>C on the plus strand (C>G on the coding strand, the complement: DUOX2 is on the minus strand). VCF-style: chr15-45108156-G-C. GRCh37 (hg19) VCF-style: chr15-45400354-G-C.
Other names: c.1465C>G, p.Leu489Val (NM_014080.5); short protein forms L489V.
Identifiers: ClinVar variation 2758904 (VCV002758904.3), dbSNP rs372981203, ClinGen allele CA392276575.

ClinVar aggregate classification (germline): Uncertain significance (1 of 4 stars; one submission).

Submission:

Labcorp Genetics (formerly Invitae), Labcorp
Classification: Uncertain significance. Last evaluated: 2024-05-08. Review status: criteria provided, single submitter. Criteria: Invitae Variant Classification Sherloc (09022015). Collection method: clinical testing. Allele origin: germline.
Comment: This sequence change replaces leucine, which is neutral and non-polar, with valine, which is neutral and non-polar, at codon 489 of the DUOX2 protein (p.Leu489Val). This variant is present in population databases (no rsID available, gnomAD 0.0009%). This variant has not been reported in the literature in individuals affected with DUOX2-related conditions. Advanced modeling of protein sequence and biophysical properties (such as structural, functional, and spatial information, amino acid conservation, physicochemical variation, residue mobility, and thermodynamic stability) performed at Invitae indicates that this missense variant is not expected to disrupt DUOX2 protein function with a negative predictive value of 80%. In summary, the available evidence is currently insufficient to determine the role of this variant in disease. Therefore, it has been classified as a Variant of Uncertain Significance.